The following is an entry in ClinVar:

NM_001029896.2(WDR45):c.14C>T (p.Pro5Leu)

Genes: WDR45 (WD repeat domain 45; minus strand), LOC126863256 (BRD4-independent group 4 enhancer GRCh37_chrX:48934848-48936047; plus strand). Cytogenetic location: Xp11.23.
Variant type: single nucleotide variant.
Coding change: c.14C>T on transcript NM_001029896.2 (MANE Select); coding-DNA position 14, C replaced by T.
Protein change: p.Pro5Leu; replaces proline 5 with leucine.
Molecular consequence: missense variant.
Genome position (GRCh38, 1-based): chrX:49,078,082, G>A on the plus strand (C>T on the coding strand, the complement: WDR45 is on the minus strand). VCF-style: chrX-49078082-G-A. GRCh37 (hg19) VCF-style: chrX-48935741-G-A.
Other names: c.14C>T, p.Pro5Leu (NM_007075.4); short protein forms P5L.
Identifiers: ClinVar variation 2098623 (VCV002098623.4), dbSNP rs2520267311, ClinGen allele CA412949555.
Genomic context (GRCh38, chrX:49,078,082, plus strand): 5'-AGGCCCAATCCTCTCTCACTTTGGTCTTGGTTGAAACGCAGGCTGGTCACTCCTCGAAGT[G>A]GCTGTTGAGTCATGGTGCAGGATTGTTCCTCTGCATACAAATGGGATAAAGATGAGAAGA-3'
Protein context (NP_001025067.1, residues 1-15): MTQQ[Pro5Leu]LRGVTSLRFN

ClinVar aggregate classification (germline): Uncertain significance (1 of 4 stars; one submission).

Conditions:
Neurodegeneration with brain iron accumulation 5 (NBIA5). Also called: STATIC ENCEPHALOPATHY OF CHILDHOOD WITH NEURODEGENERATION IN ADULTHOOD; Beta-propeller protein-associated neurodegeneration. Identifiers: Orphanet 329284, MedGen C3550973, MONDO:0010476, OMIM 300894.

Allele frequency attached by ClinVar (database versions not stated): gnomAD exomes below 0.00001.
gnomAD v4.1: 1 of 1,211,892 alleles (0.000083%); highest among the groups gnomAD compares: Middle Eastern, 0.023%; no homozygotes.

Submission:

Labcorp Genetics (formerly Invitae), Labcorp
Classification: Uncertain significance for Neurodegeneration with brain iron accumulation 5. Last evaluated: 2022-02-18. Review status: criteria provided, single submitter. Criteria: Invitae Variant Classification Sherloc (09022015). Collection method: clinical testing. Allele origin: germline.
Comment: In summary, the available evidence is currently insufficient to determine the role of this variant in disease. Therefore, it has been classified as a Variant of Uncertain Significance. Algorithms developed to predict the effect of missense changes on protein structure and function (SIFT, PolyPhen-2, Align-GVGD) all suggest that this variant is likely to be tolerated. This variant has not been reported in the literature in individuals affected with WDR45-related conditions. This variant is not present in population databases (gnomAD no frequency). This sequence change replaces proline, which is neutral and non-polar, with leucine, which is neutral and non-polar, at codon 5 of the WDR45 protein (p.Pro5Leu).